The following is an entry in ClinVar:

ClinVar aggregate classification (germline): Uncertain significance (1 of 4 stars; one submission).

Allele frequency attached by ClinVar (database versions not stated): ExAC 0.00001; gnomAD exomes 0.00001; TOPMed 0.00001.
gnomAD v4.1: 7 of 1,614,106 alleles (0.00043%); highest among the groups gnomAD compares: Admixed American, 0.012%; no homozygotes.

Submission:

Labcorp Genetics (formerly Invitae), Labcorp
Classification: Uncertain significance. Last evaluated: 2024-10-16. Review status: criteria provided, single submitter. Criteria: Invitae Variant Classification Sherloc (09022015). Collection method: clinical testing. Allele origin: germline.
Comment: This sequence change replaces lysine, which is basic and polar, with arginine, which is basic and polar, at codon 63 of the TSEN2 protein (p.Lys63Arg). This variant is present in population databases (rs753395791, gnomAD 0.009%). This variant has not been reported in the literature in individuals affected with TSEN2-related conditions. ClinVar contains an entry for this variant (Variation ID: 1900269). An algorithm developed to predict the effect of missense changes on protein structure and function outputs the following: PolyPhen-2: "Benign". The arginine amino acid residue is found in multiple mammalian species, which suggests that this missense change does not adversely affect protein function. Algorithms developed to predict the effect of sequence changes on RNA splicing suggest that this variant may create or strengthen a splice site. In summary, the available evidence is currently insufficient to determine the role of this variant in disease. Therefore, it has been classified as a Variant of Uncertain Significance.

NM_025265.4(TSEN2):c.188A>G (p.Lys63Arg)

Gene: TSEN2 (tRNA splicing endonuclease subunit 2; plus strand). Cytogenetic location: 3p25.2.
Variant type: single nucleotide variant.
Coding change: c.188A>G on transcript NM_025265.4 (MANE Select); coding-DNA position 188, A replaced by G.
Protein change: p.Lys63Arg; replaces lysine 63 with arginine.
Molecular consequence: missense variant. On other transcripts: non-coding transcript variant (1).
Genome position (GRCh38, 1-based): chr3:12,489,988, A>G. VCF-style: chr3-12489988-A-G. GRCh37 (hg19) VCF-style: chr3-12531487-A-G.
Other names: c.188A>G, p.Lys63Arg (NM_001145392.2, NM_001145393.3, NM_001145394.2 and 3 more transcripts); short protein forms K63R.
Identifiers: ClinVar variation 1900269 (VCV001900269.4), dbSNP rs753395791, ClinGen allele CA2258420.